The following is an entry in ClinVar:

NM_014244.5(ADAMTS2):c.40_41insAGCAGCA (p.Pro14fs)

Gene: ADAMTS2 (ADAM metallopeptidase with thrombospondin type 1 motif 2; minus strand). Cytogenetic location: 5q35.3.
Variant type: Insertion.
Coding change: c.40_41insAGCAGCA on transcript NM_014244.5 (MANE Select); coding-DNA positions 40 to 41, AGCAGCA inserted.
Protein change: p.Pro14fs; shifts the reading frame from proline 14.
Molecular consequence: frameshift variant.
Genome position: GRCh38 VCF-style: chr5-179345288-G-GTGCTGCT. GRCh37 (hg19) VCF-style: chr5-178772289-G-GTGCTGCT.
Other names: c.40_41insAGCAGCA, p.Pro14fs (NM_021599.4); short protein forms P14fs.
Identifiers: ClinVar variation 5010514 (VCV005010514.1).

ClinVar aggregate classification (germline): Pathogenic (1 of 4 stars; one submission).

Conditions:
Ehlers-Danlos syndrome, dermatosparaxis type. Also called: EDS VIIC; Dermatosparaxis; Ehlers-Danlos syndrome, type VII, autosomal recessive. Identifiers: Orphanet 1901, MedGen C2700425, MONDO:0009161, OMIM 225410.

Submission:

Myriad Genetics, Inc.
Classification: Pathogenic for Ehlers-Danlos syndrome, dermatosparaxis type. Last evaluated: 2024-05-14. Review status: criteria provided, single submitter. Criteria: Myriad Autosomal Dominant, Autosomal Recessive and X-Linked Classification Criteria (2023). Collection method: clinical testing. Allele origin: unknown.
Comment: NM_014244.4(ADAMTS2):c.40_41ins7(P14Qfs*54) is expected to be pathogenic in the context of Ehlers-Danlos syndrome, ADAMTS2-related. This variant is predicted to lead to an abnormal or absent protein product due to the creation of a premature termination codon in ADAMTS2, a gene where loss-of-function variants are known to be pathogenic. Please note: this variant was assessed in the context of healthy population screening.